The following is an entry in ClinVar:

NM_000384.3(APOB):c.10181A>C (p.Lys3394Thr)

Gene: APOB (apolipoprotein B; minus strand). Cytogenetic location: 2p24.1.
Variant type: single nucleotide variant.
Coding change: c.10181A>C on transcript NM_000384.3 (MANE Select); coding-DNA position 10181, A replaced by C.
Protein change: p.Lys3394Thr; replaces lysine 3394 with threonine.
Molecular consequence: missense variant.
Genome position (GRCh38, 1-based): chr2:21,006,687, T>G on the plus strand (A>C on the coding strand, the complement: APOB is on the minus strand). VCF-style: chr2-21006687-T-G. GRCh37 (hg19) VCF-style: chr2-21229559-T-G.
Other names: short protein forms K3394T.
Identifiers: ClinVar variation 1046270 (VCV001046270.49), dbSNP rs1663150812, ClinGen allele CA345987172.

ClinVar aggregate classification (germline): Likely pathogenic (1 of 4 stars; one submission).

Conditions:
Familial hypobetalipoproteinemia 1. Also called: Hypobetalipoproteinemia, normotriglyceridemic; Acanthocytosis with hypobetalipoproteinemia; APOB-Related Familial Hypobetalipoproteinemia. Identifiers: MedGen C4551990, MONDO:0014252, OMIM 615558.
Hypercholesterolemia, autosomal dominant, type B (FHCL2). Also called: Familial hypercholesterolemia 2; APOB-Related Familial Hypercholesterolemia, Autosomal Dominant; Familial Hypercholesterolemia Type B; APOLIPOPROTEIN B-100, FAMILIAL DEFECTIVE; APOLIPOPROTEIN B-100, FAMILIAL LIGAND-DEFECTIVE; HYPERCHOLESTEROLEMIA, FAMILIAL, DUE TO LIGAND-DEFECTIVE APOLIPOPROTEIN B. Identifiers: MedGen C1704417, MONDO:0007751, OMIM 144010.

Submission:

Labcorp Genetics (formerly Invitae), Labcorp
Classification: Likely pathogenic for Familial hypobetalipoproteinemia 1; Hypercholesterolemia, autosomal dominant, type B. Last evaluated: 2025-02-09. Review status: criteria provided, single submitter. Criteria: Invitae Variant Classification Sherloc (09022015). Collection method: clinical testing. Allele origin: germline.
Comment: This sequence change replaces lysine, which is basic and polar, with threonine, which is neutral and polar, at codon 3394 of the APOB protein (p.Lys3394Thr). This variant is not present in population databases (gnomAD no frequency). This missense change has been observed in individuals with hypercholesterolemia (internal data). ClinVar contains an entry for this variant (Variation ID: 1046270). Invitae Evidence Modeling of protein sequence and biophysical properties (such as structural, functional, and spatial information, amino acid conservation, physicochemical variation, residue mobility, and thermodynamic stability) indicates that this missense variant is not expected to disrupt APOB protein function with a negative predictive value of 95%. This variant disrupts the p.Lys3394 amino acid residue in APOB. Other variant(s) that disrupt this residue have been determined to be pathogenic (PMID: 22408029). This suggests that this residue is clinically significant, and that variants that disrupt this residue are likely to be disease-causing. In summary, the currently available evidence indicates that the variant is pathogenic, but additional data are needed to prove that conclusively. Therefore, this variant has been classified as Likely Pathogenic.

Literature cited by the submitters: PubMed 22408029.